The following is an entry in ClinVar:

NM_005618.4(DLL1):c.1791_1793delinsACTGA (p.Arg598fs)

Gene: DLL1 (delta like canonical Notch ligand 1; minus strand). Cytogenetic location: 6q27.
Variant type: Indel.
Coding change: c.1791_1793delinsACTGA on transcript NM_005618.4 (MANE Select); coding-DNA positions 1791 to 1793, GCG replaced by ACTGA.
Protein change: p.Arg598fs; shifts the reading frame from arginine 598.
Molecular consequence: frameshift variant.
Genome position (GRCh38, 1-based): chr6:170,283,486-170,283,488, CGC replaced by TCAGT on the plus strand (GCG replaced by ACTGA on the coding strand, the reverse complement: DLL1 is on the minus strand). VCF-style: chr6-170283486-CGC-TCAGT. GRCh37 (hg19) VCF-style: chr6-170592574-CGC-TCAGT.
Other names: short protein forms R598fs.
Identifiers: ClinVar variation 2663282 (VCV002663282.1), dbSNP rs2483346100, ClinGen allele CA2695198391.

ClinVar aggregate classification (germline): Likely pathogenic (1 of 4 stars; one submission).

Submission:

GeneDx
Classification: Likely pathogenic. Last evaluated: 2023-10-20. Review status: criteria provided, single submitter. Criteria: GeneDx Variant Classification Process June 2021. Collection method: clinical testing. Allele origin: germline. Affected: yes.
Comment: Frameshift variant predicted to result in protein truncation, as the last 126 amino acids are replaced with 122 different amino acids, and other loss-of-function variants have been reported downstream in HGMD; Not observed at significant frequency in large population cohorts (gnomAD); Has not been previously published as pathogenic or benign to our knowledge; This variant is associated with the following publications: (PMID: 24077912)